The following is an entry in ClinVar:

ClinVar aggregate classification (germline): Uncertain significance (1 of 4 stars; one submission).

Submission:

Labcorp Genetics (formerly Invitae), Labcorp
Classification: Uncertain significance. Last evaluated: 2024-10-29. Review status: criteria provided, single submitter. Criteria: Invitae Variant Classification Sherloc (09022015). Collection method: clinical testing. Allele origin: germline.
Comment: This sequence change replaces proline, which is neutral and non-polar, with serine, which is neutral and polar, at codon 359 of the IKZF1 protein (p.Pro359Ser). This variant is not present in population databases (gnomAD no frequency). This variant has not been reported in the literature in individuals affected with IKZF1-related conditions. An algorithm developed to predict the effect of missense changes on protein structure and function (PolyPhen-2) suggests that this variant is likely to be tolerated. In summary, the available evidence is currently insufficient to determine the role of this variant in disease. Therefore, it has been classified as a Variant of Uncertain Significance.

NM_006060.6(IKZF1):c.1075C>T (p.Pro359Ser)

Gene: IKZF1 (IKAROS family zinc finger 1; plus strand). Cytogenetic location: 7p12.2.
Variant type: single nucleotide variant.
Coding change: c.1075C>T on transcript NM_006060.6 (MANE Select); coding-DNA position 1075, C replaced by T.
Protein change: p.Pro359Ser; replaces proline 359 with serine.
Molecular consequence: missense variant.
Genome position (GRCh38, 1-based): chr7:50,400,142, C>T. VCF-style: chr7-50400142-C-T. GRCh37 (hg19) VCF-style: chr7-50467840-C-T.
Other names: c.949C>T, p.Pro317Ser (NM_001220765.3, NM_001291837.2); c.784C>T, p.Pro262Ser (NM_001220767.2); c.814C>T, p.Pro272Ser (NM_001220768.2, NM_001291838.2); c.658C>T, p.Pro220Ser (NM_001220770.2); c.646C>T, p.Pro216Ser (NM_001220771.2, NM_001291841.1); c.688C>T, p.Pro230Ser (NM_001291839.2); c.385C>T, p.Pro129Ser (NM_001291840.1); c.616C>T, p.Pro206Ser (NM_001291842.1); and 3 more; short protein forms P206S, P220S, P230S, P174S, P262S, P359S, P129S, P164S.
Identifiers: ClinVar variation 2793312 (VCV002793312.3), dbSNP rs781277713, ClinGen allele CA367524367.